The following is an entry in ClinVar:

NM_001035.3(RYR2):c.12336T>C (p.Asp4112=)

Gene: RYR2 (ryanodine receptor 2; plus strand). Cytogenetic location: 1q43.
Variant type: single nucleotide variant.
Coding change: c.12336T>C on transcript NM_001035.3 (MANE Select); coding-DNA position 12336, T replaced by C.
Protein change: p.Asp4112=; no amino-acid change (aspartic acid 4112 retained).
Molecular consequence: synonymous variant.
Genome position (GRCh38, 1-based): chr1:237,784,048, T>C. VCF-style: chr1-237784048-T-C. GRCh37 (hg19) VCF-style: chr1-237947348-T-C.
Identifiers: ClinVar variation 1111964 (VCV001111964.13), dbSNP rs770434178, ClinGen allele CA085171.

ClinVar aggregate classification (germline): Likely benign. Review status: criteria provided, multiple submitters, no conflicts (2 of 4 stars). 3 submissions from 3 submitters: Likely benign (3). Last evaluated 2025-05-04.

Conditions:
Catecholaminergic polymorphic ventricular tachycardia (CVPT). Also called: Catecholamine-induced polymorphic ventricular tachycardia. Identifiers: Orphanet 3286, MedGen C5574922, MONDO:0017990.
Cardiomyopathy (CMYO). Also called: Cardiomyopathies. Identifiers: Orphanet 167848, MedGen C0878544, MONDO:0004994, HP:0001638. Inheritance: Various modes of inheritance.
Catecholaminergic polymorphic ventricular tachycardia 1. Also called: RYR2-Related Catecholaminergic Polymorphic Ventricular Tachycardia; VENTRICULAR TACHYCARDIA, CATECHOLAMINERGIC POLYMORPHIC, 1, WITH OR WITHOUT ATRIAL DYSFUNCTION AND/OR DILATED CARDIOMYOPATHY; VENTRICULAR TACHYCARDIA, STRESS-INDUCED POLYMORPHIC 1. Identifiers: Orphanet 3286, MedGen C1631597, MONDO:0011484, OMIM 604772.

Allele frequency attached by ClinVar (database versions not stated): gnomAD exomes below 0.00001 and 0.00001; ExAC 0.00001.
gnomAD v4.1: 2 of 1,614,030 alleles (0.00012%); highest among the groups gnomAD compares: Admixed American, 0.0033%; no homozygotes.

Submissions (3):

Labcorp Genetics (formerly Invitae), Labcorp
Classification: Likely benign for Catecholaminergic polymorphic ventricular tachycardia 1. Last evaluated: 2025-05-04. Review status: criteria provided, single submitter. Criteria: Invitae Variant Classification Sherloc (09022015). Collection method: clinical testing. Allele origin: germline.

All of Us Research Program, National Institutes of Health
Classification: Likely benign for Catecholaminergic polymorphic ventricular tachycardia. Last evaluated: 2023-06-27. Review status: criteria provided, single submitter. Criteria: ACMG Guidelines, 2015. Collection method: clinical testing. Allele origin: germline. Inheritance: Autosomal dominant inheritance. Observed: 1 variant allele, 1 heterozygote.
Comment: This study involves interpretation of variants in research participants for the purpose of population health screening. Participant phenotype was not available at the time of variant classification. Additional details can be found in publication PMID: 35346344, PMCID: PMC8962531

Color Diagnostics, LLC DBA Color Health
Classification: Likely benign for Cardiomyopathy. Last evaluated: 2021-01-12. Review status: criteria provided, single submitter. Criteria: ACMG Guidelines, 2015. Collection method: clinical testing. Allele origin: germline.